The following is an entry in ClinVar:

ClinVar aggregate classification (germline): Likely benign. Review status: criteria provided, multiple submitters, no conflicts (2 of 4 stars). 2 submissions from 2 submitters: Likely benign (2). Last evaluated 2024-07-01.

Allele frequency attached by ClinVar (database versions not stated): TOPMed 0.00018; gnomAD 0.00020 and 0.00018; gnomAD exomes 0.00054; 1000 Genomes Project 30x 0.00016.

Submissions (2):

CeGaT Center for Human Genetics Tuebingen
Classification: Likely benign. Last evaluated: 2024-07-01. Review status: criteria provided, single submitter. Criteria: CeGaT Center For Human Genetics Tuebingen Variant Classification Criteria Version 2. Collection method: clinical testing. Allele origin: germline. Affected: yes. Observed: 4 variant alleles.
Comment: SHANK3: BP4, BP7

GeneDx
Classification: Likely benign. Last evaluated: 2020-08-14. Review status: criteria provided, single submitter. Criteria: GeneDx Variant Classification Process June 2021. Collection method: clinical testing. Allele origin: germline. Affected: yes.

NM_001372044.2(SHANK3):c.5043C>G (p.Pro1681=)

Gene: SHANK3 (SH3 and multiple ankyrin repeat domains 3; plus strand). Cytogenetic location: 22q13.33.
Variant type: single nucleotide variant.
Coding change: c.5043C>G on transcript NM_001372044.2 (MANE Select); coding-DNA position 5043, C replaced by G.
Protein change: p.Pro1681=; no amino-acid change (proline 1681 retained).
Molecular consequence: synonymous variant.
Genome position (GRCh38, 1-based): chr22:50,730,934, C>G. VCF-style: chr22-50730934-C-G. GRCh37 (hg19) VCF-style: chr22-51169362-C-G.
Other names: c.4818C>G, p.Pro1606= (NM_033517.1).
Identifiers: ClinVar variation 493352 (VCV000493352.46), dbSNP rs958460783, ClinGen allele CA325591023.